The following is an entry in ClinVar:

ClinVar aggregate classification (germline): Uncertain significance (1 of 4 stars; one submission).

Conditions:
Cardiac arrhythmia. Also called: Arrhythmia; Cardiac rhythm disease. Identifiers: MedGen C0003811, MONDO:0007263, HP:0011675.

Submission:

Color Diagnostics, LLC DBA Color Health
Classification: Uncertain significance for Cardiac arrhythmia. Last evaluated: 2023-03-20. Review status: criteria provided, single submitter. Criteria: ACMG Guidelines, 2015. Collection method: clinical testing. Allele origin: germline.
Comment: This variant causes a G to T nucleotide substitution at the -4 position of intron 1 of the KCNQ1 gene. To our knowledge, functional studies have not been reported for this variant. This variant has not been reported in individuals affected with KCNQ1-related disorders in the literature. This variant has not been identified in the general population by the Genome Aggregation Database (gnomAD). The available evidence is insufficient to determine the role of this variant in disease conclusively. Therefore, this variant is classified as a Variant of Uncertain Significance.

NM_000218.3(KCNQ1):c.387-4G>T

Gene: KCNQ1 (potassium voltage-gated channel subfamily Q member 1; plus strand). Cytogenetic location: 11p15.5.
Variant type: single nucleotide variant.
Coding change: c.387-4G>T on transcript NM_000218.3 (MANE Select); 4 bases into the intron before coding-DNA position 387, G replaced by T.
Molecular consequence: intron variant.
Genome position (GRCh38, 1-based): chr11:2,527,924, G>T. VCF-style: chr11-2527924-G-T. GRCh37 (hg19) VCF-style: chr11-2549154-G-T.
Other names: c.117-4G>T (NM_001406837.1); c.387-4G>T (NM_001406836.1, NM_001406838.1); c.6-4G>T (NM_181798.2).
Identifiers: ClinVar variation 2773461 (VCV002773461.2), dbSNP rs2493591366, ClinGen allele CA2697558822.